The following is an entry in ClinVar:

NC_012920.1(MT-CO3):m.9531A>G

Gene: MT-CO3 (mitochondrially encoded cytochrome c oxidase III; plus strand).
Variant type: single nucleotide variant.
Genome position: chrM-9531-A-G.
Identifiers: ClinVar variation 693180 (VCV000693180.1), dbSNP rs386829082, ClinGen allele CA414803156.

ClinVar aggregate classification (germline): Benign (1 of 4 stars; one submission).

Conditions:
Leigh syndrome (NULS). Also called: Leigh's necrotizing encephalopathy; Leigh's disease; Leigh Syndrome (mtDNA deletion); Leigh Disease; Subacute necrotizing encephalopathy; Necrotizing encephalopathy infantile subacute of Leigh. Identifiers: Orphanet 506, MedGen C2931891, MONDO:0009723, OMIM 256000.

Submission:

Wong Mito Lab, Molecular and Human Genetics, Baylor College of Medicine
Classification: Benign for Leigh syndrome. Last evaluated: 2019-10-17. Review status: criteria provided, single submitter. Criteria: Modified ACMG Guidelines (Unpublished). Collection method: clinical testing. Allele origin: germline.
Comment: The NC_012920.1:m.9531A>G (YP_003024032.1:p.Thr109Ala) variant in MTCO3 gene is interpretated to be a Benign variant based on the modified ACMG guidelines (unpublished). This variant meets the following evidence codes: BS1, BS2